The following is an entry in ClinVar:

NM_015409.5(EP400):c.5103G>A (p.Pro1701=)

Gene: EP400 (E1A binding protein p400; plus strand). Cytogenetic location: 12q24.33.
Variant type: single nucleotide variant.
Coding change: c.5103G>A on transcript NM_015409.5 (MANE Select); coding-DNA position 5103, G replaced by A.
Protein change: p.Pro1701=; no amino-acid change (proline 1701 retained).
Molecular consequence: synonymous variant.
Genome position (GRCh38, 1-based): chr12:132,027,525, G>A. VCF-style: chr12-132027525-G-A. GRCh37 (hg19) VCF-style: chr12-132512070-G-A.
Identifiers: ClinVar variation 771187 (VCV000771187.28), dbSNP rs116870851, ClinGen allele CA6885917.

ClinVar aggregate classification (germline): Benign/Likely benign. Review status: criteria provided, multiple submitters, no conflicts (2 of 4 stars). 2 submissions from 2 submitters: Benign (1); Likely benign (1). Last evaluated 2023-03-01.

Allele frequency attached by ClinVar (database versions not stated): 1000 Genomes Project 30x 0.00250; 1000 Genomes Project 0.00260; TOPMed 0.00432; ESP Exome Variant Server 0.00461; gnomAD 0.00614 and 0.00645; gnomAD exomes 0.00648; ExAC 0.00663.
gnomAD v4.1: 12,647 of 1,611,216 alleles (0.78%); highest among the groups gnomAD compares: Non-Finnish European, 0.87%; 64 homozygotes.

Submissions (2):

CeGaT Center for Human Genetics Tuebingen
Classification: Likely benign. Last evaluated: 2023-03-01. Review status: criteria provided, single submitter. Criteria: CeGaT Center For Human Genetics Tuebingen Variant Classification Criteria Version 2. Collection method: clinical testing. Allele origin: germline. Affected: yes. Observed: 1 variant allele.
Comment: EP400: BP4, BP7, BS2

Labcorp Genetics (formerly Invitae), Labcorp
Classification: Benign. Last evaluated: 2019-12-31. Review status: criteria provided, single submitter. Criteria: Invitae Variant Classification Sherloc (09022015). Collection method: clinical testing. Allele origin: germline.